The following is an entry in ClinVar:

ClinVar aggregate classification (germline): Uncertain significance (1 of 4 stars; one submission).

Conditions:
Hereditary cancer-predisposing syndrome. Also called: Hereditary Cancer Syndrome; Hereditary neoplastic syndrome; Neoplastic Syndromes, Hereditary; Tumor predisposition. Identifiers: Orphanet 140162, MedGen C0027672, MeSH D009386, MONDO:0015356.

Allele frequency attached by ClinVar (database versions not stated): gnomAD exomes below 0.00001.
gnomAD v4.1: 1 of 1,614,194 alleles (0.000062%); highest among the groups gnomAD compares: Non-Finnish European, 0.000085%; no homozygotes.

Submission:

Ambry Genetics
Classification: Uncertain significance for Hereditary cancer-predisposing syndrome. Last evaluated: 2022-04-09. Review status: criteria provided, single submitter. Criteria: Ambry Variant Classification Scheme 2023. Collection method: clinical testing. Allele origin: germline.
Comment: The p.T205A variant (also known as c.613A>G), located in coding exon 5 of the SUFU gene, results from an A to G substitution at nucleotide position 613. The threonine at codon 205 is replaced by alanine, an amino acid with similar properties. This amino acid position is conserved. In addition, the in silico prediction for this alteration is inconclusive. Since supporting evidence is limited at this time, the clinical significance of this alteration remains unclear.

NM_016169.4(SUFU):c.613A>G (p.Thr205Ala)

Gene: SUFU (SUFU negative regulator of hedgehog signaling; plus strand). Cytogenetic location: 10q24.32.
Variant type: single nucleotide variant.
Coding change: c.613A>G on transcript NM_016169.4 (MANE Select); coding-DNA position 613, A replaced by G.
Protein change: p.Thr205Ala; replaces threonine 205 with alanine.
Molecular consequence: missense variant.
Genome position (GRCh38, 1-based): chr10:102,593,651, A>G. VCF-style: chr10-102593651-A-G. GRCh37 (hg19) VCF-style: chr10-104353408-A-G.
Other names: c.613A>G, p.Thr205Ala (NM_001178133.2); short protein forms T205A.
Identifiers: ClinVar variation 1751817 (VCV001751817.2), dbSNP rs2545084577, ClinGen allele CA377909407.
Genomic context (GRCh38, chr10:102,593,651, plus strand): 5'-GGGGTGGCCATTAACACACAATGGGCTTTCTATCCTGGGCCTCAGATCGTTGGTGTCTGC[A>G]CTGAAGAGCTACACTCAGCCCAGCAGTGGAACGGGCAGGGCATCCTGGAGCTGCTGCGGA-3'
Protein context (NP_057253.2, residues 195-215): VTFLQIVGVC[Thr205Ala]EELHSAQQWN